The following is an entry in ClinVar:

NM_001085458.2(CTNND1):c.2013_2039del (p.Lys673_Leu681del)

Genes: CTNND1 (catenin delta 1; plus strand), TMX2-CTNND1 (TMX2-CTNND1 readthrough (NMD candidate); plus strand). Cytogenetic location: 11q12.1.
Variant type: Deletion.
Coding change: c.2013_2039del on transcript NM_001085458.2 (MANE Select); coding-DNA positions 2013 to 2039, 27 bases deleted (TCTTAAGGAGAGCAAGACTCCTGCCAT).
Protein change: p.Lys673_Leu681del.
Molecular consequence: non-coding transcript variant (on NR_037646.1).
Genome position (GRCh38, 1-based): chr11:57,808,214-57,808,240, TCTTAAGGAGAGCAAGACTCCTGCCAT deleted; deleting any 27 consecutive bases within chr11:57,808,213-57,808,240 gives the same sequence; the c. name uses the placement nearest the transcript's 3' end. VCF-style (leftmost placement, unchanged base first): chr11-57808212-CTTCTTAAGGAGAGCAAGACTCCTGCCA-C. GRCh37 (hg19) VCF-style: chr11-57575684-CTTCTTAAGGAGAGCAAGACTCCTGCCA-C.
Other names: c.1995_2021del, p.Lys667_Leu675del (NM_001085459.2, NM_001085460.2, NM_001085461.2 and 2 more transcripts); c.1710_1736del, p.Lys572_Leu580del (NM_001085463.2, NM_001085466.2); c.1692_1718del, p.Lys566_Leu574del (NM_001085464.2, NM_001085465.2, NM_001085467.2 and 3 more transcripts); c.1851_1877del, p.Lys619_Leu627del (NM_001206883.2, NM_001206884.2); c.2013_2039del, p.Lys673_Leu681del (NM_001206885.2); c.1833_1859del, p.Lys613_Leu621del (NM_001206886.2, NM_001206887.2, NM_001206888.2 and 2 more transcripts).
Identifiers: ClinVar variation 3372347 (VCV003372347.1).
Genomic context (GRCh38, chr11:57,808,212, plus strand): 5'-CTCTTTTGTGCAGGCTATGAGCTCTTATTTCAGCCAGAGGTGGTTCGGATATACATCTCA[CTTCTTAAGGAGAGCAAGACTCCTGCCA>C]TCCTAGAAGCCTCAGCTGGAGCTATCCAGAACTTGTGTGCTGGGCGCTGGACGGTACCTT-3'

ClinVar aggregate classification (germline): Uncertain significance (1 of 4 stars; one submission).

Submission:

GeneDx
Classification: Uncertain significance. Last evaluated: 2024-04-15. Review status: criteria provided, single submitter. Criteria: GeneDx Variant Classification Process June 2021. Collection method: clinical testing. Allele origin: germline. Affected: yes.
Comment: In-frame deletion of 9 amino acids in a non-repeat region; In silico analysis supports a deleterious effect on protein structure/function; Not observed at significant frequency in large population cohorts (gnomAD); Has not been previously published as pathogenic or benign to our knowledge